The following is an entry in ClinVar:

NM_006218.4(PIK3CA):c.131C>T (p.Thr44Ile)

Gene: PIK3CA (phosphatidylinositol-4,5-bisphosphate 3-kinase catalytic subunit alpha; plus strand). Cytogenetic location: 3q26.32.
Variant type: single nucleotide variant.
Coding change: c.131C>T on transcript NM_006218.4 (MANE Select); coding-DNA position 131, C replaced by T.
Protein change: p.Thr44Ile; replaces threonine 44 with isoleucine.
Molecular consequence: missense variant.
Genome position (GRCh38, 1-based): chr3:179,198,956, C>T. VCF-style: chr3-179198956-C-T. GRCh37 (hg19) VCF-style: chr3-178916744-C-T.
Other names: short protein forms T44I.
Identifiers: ClinVar variation 3888933 (VCV003888933.1).

ClinVar aggregate classification (germline): Uncertain significance (1 of 4 stars; one submission).

Conditions:
Inborn genetic diseases. Identifiers: MedGen C0950123, MeSH D030342.

Submission:

Ambry Genetics
Classification: Uncertain significance for Inborn genetic diseases. Last evaluated: 2024-12-13. Review status: criteria provided, single submitter. Criteria: Ambry Variant Classification Scheme 2023. Collection method: clinical testing. Allele origin: germline.
Comment: The p.T44I variant (also known as c.131C>T), located in coding exon 1 of the PIK3CA gene, results from a C to T substitution at nucleotide position 131. The threonine at codon 44 is replaced by isoleucine, an amino acid with similar properties. This amino acid position is conserved. In addition, the in silico prediction for this alteration is inconclusive. Based on the available evidence, the clinical significance of this variant remains unclear.